The following is an entry in ClinVar:

NM_000245.4(MET):c.1928G>C (p.Gly643Ala)

Gene: MET (MET proto-oncogene, receptor tyrosine kinase; plus strand). Cytogenetic location: 7q31.2.
Variant type: single nucleotide variant.
Coding change: c.1928G>C on transcript NM_000245.4 (MANE Select); coding-DNA position 1928, G replaced by C.
Protein change: p.Gly643Ala; replaces glycine 643 with alanine.
Molecular consequence: missense variant.
Genome position (GRCh38, 1-based): chr7:116,757,502, G>C. VCF-style: chr7-116757502-G-C. GRCh37 (hg19) VCF-style: chr7-116397556-G-C.
Other names: c.1928G>C, p.Gly643Ala (NM_001127500.3, NM_001324401.3); c.638G>C, p.Gly213Ala (NM_001324402.2); short protein forms G643A, G213A.
Identifiers: ClinVar variation 3694572 (VCV003694572.2).

ClinVar aggregate classification (germline): Uncertain significance (1 of 4 stars; one submission).

Conditions:
Renal cell carcinoma. Identifiers: Orphanet 217071, MedGen C0007134, MeSH D002292, MONDO:0005086, HP:0005584.

Submission:

Labcorp Genetics (formerly Invitae), Labcorp
Classification: Uncertain significance for Renal cell carcinoma. Last evaluated: 2025-12-15. Review status: criteria provided, single submitter. Criteria: Invitae Variant Classification Sherloc (09022015). Collection method: clinical testing. Allele origin: germline.
Comment: This sequence change replaces glycine, which is neutral and non-polar, with alanine, which is neutral and non-polar, at codon 643 of the MET protein (p.Gly643Ala). This variant is not present in population databases (gnomAD no frequency). This variant has not been reported in the literature in individuals affected with MET-related conditions. ClinVar contains an entry for this variant (Variation ID: 3694572). Invitae Evidence Modeling of protein sequence and biophysical properties (such as structural, functional, and spatial information, amino acid conservation, physicochemical variation, residue mobility, and thermodynamic stability) indicates that this missense variant is not expected to disrupt MET protein function with a negative predictive value of 80%. In summary, the available evidence is currently insufficient to determine the role of this variant in disease. Therefore, it has been classified as a Variant of Uncertain Significance.